The following is an entry in ClinVar:

ClinVar aggregate classification (germline): Pathogenic (1 of 4 stars; one submission).

Conditions:
Acute infantile liver failure due to synthesis defect of mtDNA-encoded proteins. Also called: Liver failure acute infantile; LIVER FAILURE, INFANTILE, TRANSIENT; TRMU Deficiency. Identifiers: Orphanet 217371, MedGen C3278664, MONDO:0013111, OMIM 613070.

Submission:

Myriad Genetics, Inc.
Classification: Pathogenic for Acute infantile liver failure due to synthesis defect of mtDNA-encoded proteins. Last evaluated: 2024-05-14. Review status: criteria provided, single submitter. Criteria: Myriad Autosomal Dominant, Autosomal Recessive and X-Linked Classification Criteria (2023). Collection method: clinical testing. Allele origin: unknown.
Comment: NM_018006.4(TRMU):c.807_808del2ins9(N269Kfs*22) is expected to be pathogenic in the context of acute liver failure, TRMU-related. This variant is predicted to lead to an abnormal or absent protein product due to the creation of a premature termination codon in TRMU, a gene where loss-of-function variants are known to be pathogenic. Please note: this variant was assessed in the context of healthy population screening.

NM_018006.5(TRMU):c.807_808delinsACTGTCTCT (p.Asn269fs)

Gene: TRMU (tRNA mitochondrial 2-thiouridylase; plus strand). Cytogenetic location: 22q13.31.
Variant type: Indel.
Coding change: c.807_808delinsACTGTCTCT on transcript NM_018006.5 (MANE Select); coding-DNA positions 807 to 808, CA replaced by ACTGTCTCT.
Protein change: p.Asn269fs; shifts the reading frame from asparagine 269.
Molecular consequence: frameshift variant. On other transcripts: non-coding transcript variant (2).
Genome position (GRCh38, 1-based): chr22:46,353,801-46,353,802, CA replaced by ACTGTCTCT. VCF-style: chr22-46353801-CA-ACTGTCTCT. GRCh37 (hg19) VCF-style: chr22-46749698-CA-ACTGTCTCT.
Other names: c.465_466delinsACTGTCTCT, p.Asn155fs (NM_001282782.2); c.387_388delinsACTGTCTCT, p.Asn129fs (NM_001282783.2, NM_001282784.2); c.807_808delinsACTGTCTCT, p.Asn269fs (NM_001282785.2); short protein forms N129fs, N155fs, N269fs.
Identifiers: ClinVar variation 5010779 (VCV005010779.1).
Genomic context (GRCh38, chr22:46,353,801, plus strand): 5'-CTCATGGAGAAACTGTCTTTCTGTAGGTTGGTTCCTGTATACCTTGGGCCAGAGAGCAAA[CA>ACTGTCTCT]TAGGTGGCCTGAGAGAGCCCTGGTACGTGGTGGAGAAGGACAGCGTCAAGGGTGACGTGT-3'